The following is an entry in ClinVar:

ClinVar aggregate classification (germline): Uncertain significance (1 of 4 stars; one submission).

Conditions:
Hereditary cancer-predisposing syndrome. Also called: Tumor predisposition; Neoplastic Syndromes, Hereditary; Hereditary Cancer Syndrome; Hereditary neoplastic syndrome. Identifiers: Orphanet 140162, MedGen C0027672, MeSH D009386, MONDO:0015356.

Submission:

Color Diagnostics, LLC DBA Color Health
Classification: Uncertain significance for Hereditary cancer-predisposing syndrome. Last evaluated: 2023-03-21. Review status: criteria provided, single submitter. Criteria: ACMG Guidelines, 2015. Collection method: clinical testing. Allele origin: germline.
Comment: This variant causes an in-frame deletion of eight amino acids in exon 47 of the ATM protein. To our knowledge, functional studies have not been reported for this variant. This variant has not been reported in individuals affected with ATM-related disorders in the literature. This variant has not been identified in the general population by the Genome Aggregation Database (gnomAD). The available evidence is insufficient to determine the role of this variant in disease conclusively. Therefore, this variant is classified as a Variant of Uncertain Significance.

NM_000051.4(ATM):c.6929_6952del (p.Ser2310_Lys2317del)

Genes: ATM (ATM serine/threonine kinase; plus strand), C11orf65 (chromosome 11 open reading frame 65; minus strand). Cytogenetic location: 11q22.3.
Variant type: Deletion.
Coding change: c.6929_6952del on transcript NM_000051.4 (MANE Select); coding-DNA positions 6929 to 6952, 24 bases deleted (GTATTCTCAAGCAAATGATCAAGA).
Protein change: p.Ser2310_Lys2317del.
Molecular consequence: inframe deletion. On other transcripts: intron variant (2).
Genome position (GRCh38, 1-based): chr11:108,326,179-108,326,202, GTATTCTCAAGCAAATGATCAAGA deleted; deleting any 24 consecutive bases within chr11:108,326,177-108,326,202 gives the same sequence; the c. name uses the placement nearest the transcript's 3' end. VCF-style (leftmost placement, unchanged base first): chr11-108326176-TGAGTATTCTCAAGCAAATGATCAA-T. GRCh37 (hg19) VCF-style: chr11-108196903-TGAGTATTCTCAAGCAAATGATCAA-T.
Other names: c.6929_6952del, p.Ser2310_Lys2317del (NM_001351834.2); c.641-17129_641-17106del (NM_001330368.2); c.*38+9020_*38+9043del (NM_001351110.2).
Identifiers: ClinVar variation 2774704 (VCV002774704.1), dbSNP rs2547218152, ClinGen allele CA2697556942.
Genomic context (GRCh38, chr11:108,326,176, plus strand): 5'-CTGAGTGGCAGCTGGAAGAAGCACAAGTATTCTGGGCAAAAAAGGAGCAGAGTCTTGCCC[TGAGTATTCTCAAGCAAATGATCAA>T]GAAGTTGGATGCCAGCTGTGCAGCGGTTTGTTTTTTTTATTGGCTGGATTAGTGTTTTAC-3'